The following is an entry in ClinVar:

NM_014516.4(CNOT3):c.1606-3del

Gene: CNOT3 (CCR4-NOT transcription complex subunit 3; plus strand). Cytogenetic location: 19q13.42.
Variant type: Deletion.
Coding change: c.1606-3del on transcript NM_014516.4 (MANE Select); 3 bases into the intron before coding-DNA position 1606, one base deleted (C; older notation c.1606-3delC).
Molecular consequence: intron variant.
Genome position (GRCh38, 1-based): chr19:54,152,223, C deleted; the last of 4 consecutive C bases (chr19:54,152,220-54,152,223); deleting any one gives the same sequence. VCF-style (leftmost placement, unchanged base first): chr19-54152219-TC-T. GRCh37 (hg19) VCF-style: chr19-54655956-TC-T.
Identifiers: ClinVar variation 2662975 (VCV002662975.1), dbSNP rs2514010682, ClinGen allele CA2695201365.

ClinVar aggregate classification (germline): Uncertain significance (1 of 4 stars; one submission).

Submission:

GeneDx
Classification: Uncertain significance. Last evaluated: 2023-05-12. Review status: criteria provided, single submitter. Criteria: GeneDx Variant Classification Process June 2021. Collection method: clinical testing. Allele origin: germline. Affected: yes.
Comment: Not observed at significant frequency in large population cohorts (gnomAD); In silico analysis supports that this variant does not alter splicing; Has not been previously published as pathogenic or benign to our knowledge